The following is an entry in ClinVar:

ClinVar aggregate classification (germline): Uncertain significance. Review status: criteria provided, multiple submitters, no conflicts (2 of 4 stars). 2 submissions from 2 submitters: Uncertain significance (2). Last evaluated 2025-08-16.

Conditions:
Progressive familial heart block type IB (PFHB1B). Identifiers: Orphanet 871, MedGen C1970298, MONDO:0011474, OMIM 604559.
Cardiovascular phenotype. Identifiers: MedGen CN230736.

Allele frequency attached by ClinVar (database versions not stated): gnomAD exomes 0.00002.

Submissions (2):

Labcorp Genetics (formerly Invitae), Labcorp
Classification: Uncertain significance for Progressive familial heart block type IB. Last evaluated: 2025-08-16. Review status: criteria provided, single submitter. Criteria: Invitae Variant Classification Sherloc (09022015). Collection method: clinical testing. Allele origin: germline.
Comment: This sequence change replaces leucine, which is neutral and non-polar, with phenylalanine, which is neutral and non-polar, at codon 1092 of the TRPM4 protein (p.Leu1092Phe). This variant is not present in population databases (gnomAD no frequency). This variant has not been reported in the literature in individuals affected with TRPM4-related conditions. ClinVar contains an entry for this variant (Variation ID: 2189637). An algorithm developed to predict the effect of missense changes on protein structure and function outputs the following: PolyPhen-2: "Benign". The phenylalanine amino acid residue is found in multiple mammalian species, which suggests that this missense change does not adversely affect protein function. In summary, the available evidence is currently insufficient to determine the role of this variant in disease. Therefore, it has been classified as a Variant of Uncertain Significance.

Ambry Genetics
Classification: Uncertain significance for Cardiovascular phenotype. Last evaluated: 2025-08-03. Review status: criteria provided, single submitter. Criteria: Ambry Variant Classification Scheme 2023. Collection method: clinical testing. Allele origin: germline.
Comment: The p.L1092F variant (also known as c.3276G>T), located in coding exon 21 of the TRPM4 gene, results from a G to T substitution at nucleotide position 3276. The leucine at codon 1092 is replaced by phenylalanine, an amino acid with highly similar properties. This amino acid position is conserved. In addition, this alteration is predicted to be tolerated by in silico analysis. Based on the available evidence, the clinical significance of this variant remains unclear.

NM_017636.4(TRPM4):c.3276G>T (p.Leu1092Phe)

Gene: TRPM4 (transient receptor potential cation channel subfamily M member 4; plus strand). Cytogenetic location: 19q13.33.
Variant type: single nucleotide variant.
Coding change: c.3276G>T on transcript NM_017636.4 (MANE Select); coding-DNA position 3276, G replaced by T.
Protein change: p.Leu1092Phe; replaces leucine 1092 with phenylalanine.
Molecular consequence: missense variant.
Genome position (GRCh38, 1-based): chr19:49,210,353, G>T. VCF-style: chr19-49210353-G-T. GRCh37 (hg19) VCF-style: chr19-49713610-G-T.
Other names: c.3276G>T (NM_017636.3); c.2841G>T, p.Leu947Phe (NM_001195227.2); c.2931G>T, p.Leu977Phe (NM_001321281.2); c.1668G>T, p.Leu556Phe (NM_001321282.2); c.2754G>T, p.Leu918Phe (NM_001321283.2); c.2214G>T, p.Leu738Phe (NM_001321285.2); short protein forms L947F, L977F, L918F, L1092F, L556F, L738F.
Identifiers: ClinVar variation 2189637 (VCV002189637.5), dbSNP rs2514239127, ClinGen allele CA406772057.